The following is an entry in ClinVar:

ClinVar aggregate classification (germline): Uncertain significance. Review status: criteria provided, multiple submitters, no conflicts (2 of 4 stars). 3 submissions from 3 submitters: Uncertain significance (3). Last evaluated 2025-10-03.

Conditions:
Hereditary cancer-predisposing syndrome. Also called: Neoplastic Syndromes, Hereditary; Tumor predisposition; Hereditary Cancer Syndrome; Hereditary neoplastic syndrome. Identifiers: Orphanet 140162, MedGen C0027672, MeSH D009386, MONDO:0015356.
Tuberous sclerosis syndrome (TSC). Also called: Tuberous Sclerosis Complex; Tuberous sclerosis. Identifiers: Orphanet 805, MedGen C0041341, MONDO:0001734.
Tuberous sclerosis 2 (TSC2). Identifiers: Orphanet 805, MedGen C1860707, MONDO:0013199, OMIM 613254.

gnomAD v4.1: 2 of 1,612,638 alleles (0.00012%); highest among the groups gnomAD compares: Non-Finnish European, 0.00017%; no homozygotes.

Submissions (3):

Labcorp Genetics (formerly Invitae), Labcorp
Classification: Uncertain significance for Tuberous sclerosis 2. Last evaluated: 2025-10-03. Review status: criteria provided, single submitter. Criteria: Invitae Variant Classification Sherloc (09022015). Collection method: clinical testing. Allele origin: germline.
Comment: This sequence change replaces phenylalanine, which is neutral and non-polar, with leucine, which is neutral and non-polar, at codon 1668 of the TSC2 protein (p.Phe1668Leu). This variant is not present in population databases (gnomAD no frequency). This missense change has been observed in individual(s) with clinical features of TSC2-related conditions (PMID: 21520333). ClinVar contains an entry for this variant (Variation ID: 566128). Invitae Evidence Modeling of protein sequence and biophysical properties (such as structural, functional, and spatial information, amino acid conservation, physicochemical variation, residue mobility, and thermodynamic stability) indicates that this missense variant is not expected to disrupt TSC2 protein function with a negative predictive value of 95%. In summary, the available evidence is currently insufficient to determine the role of this variant in disease. Therefore, it has been classified as a Variant of Uncertain Significance.

Ambry Genetics
Classification: Uncertain significance for Hereditary cancer-predisposing syndrome. Last evaluated: 2024-12-23. Review status: criteria provided, single submitter. Criteria: Ambry Variant Classification Scheme 2023. Collection method: clinical testing. Allele origin: germline.
Comment: The p.F1668L variant (also known as c.5004T>G), located in coding exon 38 of the TSC2 gene, results from a T to G substitution at nucleotide position 5004. The phenylalanine at codon 1668 is replaced by leucine, an amino acid with highly similar properties. This alteration has been reported in the literature in an individual with cortical dysplasia, but no additional features of Tuberous Sclerosis were identified (Hansmann P et al. Structure, 2020 08;28:933-942.e4). In vitro functional studies indicated that this variant inhibits GAP catalytic activity, but retains the ability to inhibit mTORC activity (Hansmann P et al. Structure, 2020 08;28:933-942.e4). The clinical impact of these findings is not clear. This amino acid position is highly conserved in available vertebrate species. In addition, this alteration is predicted to be deleterious by in silico analysis. Since supporting evidence is limited at this time, the clinical significance of this alteration remains unclear.

All of Us Research Program, National Institutes of Health
Classification: Uncertain significance for Tuberous sclerosis syndrome. Last evaluated: 2023-05-31. Review status: criteria provided, single submitter. Criteria: ACMG Guidelines, 2015. Collection method: clinical testing. Allele origin: germline. Inheritance: Autosomal dominant inheritance. Observed: 1 variant allele, 1 heterozygote.
Comment: This study involves interpretation of variants in research participants for the purpose of population health screening. Participant phenotype was not available at the time of variant classification. Additional details can be found in publication PMID: 35346344, PMCID: PMC8962531

Literature cited by the submitters: PubMed 21520333 (cited by Labcorp Genetics (formerly Invitae), Labcorp); PubMed 32502382 (cited by Ambry Genetics).

NM_000548.5(TSC2):c.5004T>G (p.Phe1668Leu)

Gene: TSC2 (TSC complex subunit 2; plus strand). Cytogenetic location: 16p13.3.
Variant type: single nucleotide variant.
Coding change: c.5004T>G on transcript NM_000548.5 (MANE Select); coding-DNA position 5004, T replaced by G.
Protein change: p.Phe1668Leu; replaces phenylalanine 1668 with leucine.
Molecular consequence: missense variant.
Genome position (GRCh38, 1-based): chr16:2,087,877, T>G. VCF-style: chr16-2087877-T-G. GRCh37 (hg19) VCF-style: chr16-2137878-T-G.
Other names: c.4803T>G, p.Phe1601Leu (NM_001077183.3); c.4935T>G, p.Phe1645Leu (NM_001114382.3); c.4695T>G, p.Phe1565Leu (NM_001318827.2); c.4659T>G, p.Phe1553Leu (NM_001318829.2); c.4272T>G, p.Phe1424Leu (NM_001318831.2); c.4836T>G, p.Phe1612Leu (NM_001318832.2); c.4806T>G, p.Phe1602Leu (NM_001363528.2); c.4872T>G, p.Phe1624Leu (NM_001370404.1); and 1 more; short protein forms F1668L, F1553L, F1565L, F1601L, F1602L, F1624L, F1625L, F1424L.
Identifiers: ClinVar variation 566128 (VCV000566128.14), dbSNP rs745787082, ClinGen allele CA394311065.